The following is an entry in ClinVar:

NM_004371.4(COPA):c.2744G>A (p.Ser915Asn)

Gene: COPA (coat protein complex I subunit alpha; minus strand). Cytogenetic location: 1q23.2.
Variant type: single nucleotide variant.
Coding change: c.2744G>A on transcript NM_004371.4 (MANE Select); coding-DNA position 2744, G replaced by A.
Protein change: p.Ser915Asn; replaces serine 915 with asparagine.
Molecular consequence: missense variant.
Genome position (GRCh38, 1-based): chr1:160,293,396, C>T on the plus strand (G>A on the coding strand, the complement: COPA is on the minus strand). VCF-style: chr1-160293396-C-T. GRCh37 (hg19) VCF-style: chr1-160263186-C-T.
Other names: c.2771G>A, p.Ser924Asn (NM_001098398.2); short protein forms S915N, S924N.
Identifiers: ClinVar variation 2603701 (VCV002603701.3), dbSNP rs756554726, ClinGen allele CA1197805.

ClinVar aggregate classification (germline): Uncertain significance. Review status: criteria provided, multiple submitters, no conflicts (2 of 4 stars). 2 submissions from 2 submitters: Uncertain significance (2). Last evaluated 2025-10-17.

Conditions:
Inborn genetic diseases. Identifiers: MedGen C0950123, MeSH D030342.
Autoimmune interstitial lung disease-arthritis syndrome. Also called: Autoinflammation and autoimmunity, systemic, with immune dysregulation. Identifiers: Orphanet 444092, MedGen C5975714, MONDO:0014629.

Allele frequency attached by ClinVar (database versions not stated): gnomAD exomes below 0.00001; ExAC 0.00001; gnomAD 0.00001; TOPMed 0.00001.
gnomAD v4.1: 6 of 1,613,346 alleles (0.00037%); highest among the groups gnomAD compares: East Asian, 0.011%; no homozygotes.

Submissions (2):

Labcorp Genetics (formerly Invitae), Labcorp
Classification: Uncertain significance for Autoimmune interstitial lung disease-arthritis syndrome. Last evaluated: 2025-10-17. Review status: criteria provided, single submitter. Criteria: Invitae Variant Classification Sherloc (09022015). Collection method: clinical testing. Allele origin: germline.
Comment: This sequence change replaces serine, which is neutral and polar, with asparagine, which is neutral and polar, at codon 915 of the COPA protein (p.Ser915Asn). This variant is present in population databases (rs756554726, gnomAD 0.02%). This variant has not been reported in the literature in individuals affected with COPA-related conditions. ClinVar contains an entry for this variant (Variation ID: 2603701). Invitae Evidence Modeling of protein sequence and biophysical properties (such as structural, functional, and spatial information, amino acid conservation, physicochemical variation, residue mobility, and thermodynamic stability) indicates that this missense variant is not expected to disrupt COPA protein function with a negative predictive value of 80%. In summary, the available evidence is currently insufficient to determine the role of this variant in disease. Therefore, it has been classified as a Variant of Uncertain Significance.

Ambry Genetics
Classification: Uncertain significance for Inborn genetic diseases. Last evaluated: 2023-08-05. Review status: criteria provided, single submitter. Criteria: Ambry Variant Classification Scheme 2023. Collection method: clinical testing. Allele origin: germline.